The following is an entry in ClinVar:

NM_006306.4(SMC1A):c.3533C>T (p.Ser1178Leu)

Gene: SMC1A (structural maintenance of chromosomes 1A; minus strand). Cytogenetic location: Xp11.22.
Variant type: single nucleotide variant.
Coding change: c.3533C>T on transcript NM_006306.4 (MANE Select); coding-DNA position 3533, C replaced by T.
Protein change: p.Ser1178Leu; replaces serine 1178 with leucine.
Molecular consequence: missense variant.
Genome position (GRCh38, 1-based): chrX:53,380,705, G>A on the plus strand (C>T on the coding strand, the complement: SMC1A is on the minus strand). VCF-style: chrX-53380705-G-A. GRCh37 (hg19) VCF-style: chrX-53407626-G-A.
Other names: c.3467C>T, p.Ser1156Leu (NM_001281463.1); short protein forms S1156L, S1178L.
Identifiers: ClinVar variation 1722295 (VCV001722295.5), dbSNP rs2520813308, ClinGen allele CA413242339.
Genomic context (GRCh38, chrX:53,380,705, plus strand): 5'-TCGGCCTTGGTGTAGAACTCCTCCTTGAGAGAGATGACGATGGCCTGGAAGTTGCAAGTC[G>A]ACTGCTCCTTGATGTAATTTGCCACCTGTGGGAAAGGCCGCCAGGCACTTAGCAAGGCTC-3'
Protein context (NP_006297.2, residues 1168-1188): GKVANYIKEQ[Ser1178Leu]TCNFQAIVIS

ClinVar aggregate classification (germline): Uncertain significance (1 of 4 stars; one submission).

Conditions:
Congenital muscular hypertrophy-cerebral syndrome (CDLS2). Also called: SMC1A-Related Cornelia de Lange Syndrome; Cornelia de Lange syndrome 2. Identifiers: Orphanet 199, MedGen C1802395, MONDO:0010370, OMIM 300590.

Submission:

Labcorp Genetics (formerly Invitae), Labcorp
Classification: Uncertain significance for Congenital muscular hypertrophy-cerebral syndrome. Last evaluated: 2023-12-11. Review status: criteria provided, single submitter. Criteria: Invitae Variant Classification Sherloc (09022015). Collection method: clinical testing. Allele origin: germline.
Comment: This sequence change replaces serine, which is neutral and polar, with leucine, which is neutral and non-polar, at codon 1178 of the SMC1A protein (p.Ser1178Leu). This variant is not present in population databases (gnomAD no frequency). This variant has not been reported in the literature in individuals affected with SMC1A-related conditions. ClinVar contains an entry for this variant (Variation ID: 1722295). Advanced modeling of protein sequence and biophysical properties (such as structural, functional, and spatial information, amino acid conservation, physicochemical variation, residue mobility, and thermodynamic stability) performed at Invitae indicates that this missense variant is not expected to disrupt SMC1A protein function with a negative predictive value of 80%. In summary, the available evidence is currently insufficient to determine the role of this variant in disease. Therefore, it has been classified as a Variant of Uncertain Significance.